The following is an entry in ClinVar:

ClinVar aggregate classification (germline): Uncertain significance (1 of 4 stars; one submission).

Submission:

Labcorp Genetics (formerly Invitae), Labcorp
Classification: Uncertain significance. Last evaluated: 2022-11-28. Review status: criteria provided, single submitter. Criteria: Invitae Variant Classification Sherloc (09022015). Collection method: clinical testing. Allele origin: germline.
Comment: This sequence change falls in intron 13 of the MTHFD1 gene. It does not directly change the encoded amino acid sequence of the MTHFD1 protein. It affects a nucleotide within the consensus splice site. This variant is present in population databases (rs777502749, gnomAD 0.01%). This variant has not been reported in the literature in individuals affected with MTHFD1-related conditions. ClinVar contains an entry for this variant (Variation ID: 1509514). Variants that disrupt the consensus splice site are a relatively common cause of aberrant splicing (PMID: 17576681, 9536098). Algorithms developed to predict the effect of sequence changes on RNA splicing suggest that this variant is not likely to affect RNA splicing. In summary, the available evidence is currently insufficient to determine the role of this variant in disease. Therefore, it has been classified as a Variant of Uncertain Significance.

Literature cited by the submitters: PubMed 17576681; PubMed 9536098.

NM_005956.4(MTHFD1):c.1311+5dup

Genes: MTHFD1 (methylenetetrahydrofolate dehydrogenase, cyclohydrolase and formyltetrahydrofolate synthetase 1; plus strand), LOC112272548 (Sharpr-MPRA regulatory region 9441; plus strand). Cytogenetic location: 14q23.3.
Variant type: Duplication.
Coding change: c.1311+5dup on transcript NM_005956.4 (MANE Select); 5 bases into the intron after coding-DNA position 1311, one base duplicated (A; older notation c.1311+5dupA).
Molecular consequence: intron variant.
Genome position (GRCh38, 1-based): chr14:64,430,235, A duplicated; the last of 3 consecutive A bases (chr14:64,430,233-64,430,235); duplicating any one gives the same sequence. VCF-style (leftmost placement, unchanged base first): chr14-64430232-T-TA. GRCh37 (hg19) VCF-style: chr14-64896950-T-TA.
Other names: c.1311+5dup (NM_001364837.1).
Identifiers: ClinVar variation 1509514 (VCV001509514.6), dbSNP rs777502749, ClinGen allele CA7226182.